The following is an entry in ClinVar:

ClinVar aggregate classification (germline): Uncertain significance (1 of 4 stars; one submission).

gnomAD v4.1: 2 of 1,590,868 alleles (0.00013%); highest among the groups gnomAD compares: Admixed American, 0.0019%; no homozygotes.

Submission:

Labcorp Genetics (formerly Invitae), Labcorp
Classification: Uncertain significance. Last evaluated: 2024-05-01. Review status: criteria provided, single submitter. Criteria: Invitae Variant Classification Sherloc (09022015). Collection method: clinical testing. Allele origin: germline.
Comment: This sequence change replaces isoleucine, which is neutral and non-polar, with valine, which is neutral and non-polar, at codon 118 of the CLUAP1 protein (p.Ile118Val). This variant is present in population databases (rs765608293, gnomAD 0.004%). This variant has not been reported in the literature in individuals affected with CLUAP1-related conditions. Advanced modeling of protein sequence and biophysical properties (such as structural, functional, and spatial information, amino acid conservation, physicochemical variation, residue mobility, and thermodynamic stability) performed at Invitae indicates that this missense variant is not expected to disrupt CLUAP1 protein function with a negative predictive value of 80%. In summary, the available evidence is currently insufficient to determine the role of this variant in disease. Therefore, it has been classified as a Variant of Uncertain Significance.

NM_015041.3(CLUAP1):c.352A>G (p.Ile118Val)

Gene: CLUAP1 (clusterin associated protein 1; plus strand). Cytogenetic location: 16p13.3.
Variant type: single nucleotide variant.
Coding change: c.352A>G on transcript NM_015041.3 (MANE Select); coding-DNA position 352, A replaced by G.
Protein change: p.Ile118Val; replaces isoleucine 118 with valine.
Molecular consequence: missense variant.
Genome position (GRCh38, 1-based): chr16:3,508,421, A>G. VCF-style: chr16-3508421-A-G. GRCh37 (hg19) VCF-style: chr16-3558421-A-G.
Other names: c.352A>G, p.Ile118Val (NM_001330454.2); short protein forms I118V.
Identifiers: ClinVar variation 3632203 (VCV003632203.2).